The following is an entry in ClinVar:

NM_177438.3(DICER1):c.4958C>T (p.Pro1653Leu)

Gene: DICER1 (dicer 1, ribonuclease III; minus strand). Cytogenetic location: 14q32.13.
Variant type: single nucleotide variant.
Coding change: c.4958C>T on transcript NM_177438.3 (MANE Select); coding-DNA position 4958, C replaced by T.
Protein change: p.Pro1653Leu; replaces proline 1653 with leucine.
Molecular consequence: missense variant. On other transcripts: non-coding transcript variant (6).
Genome position (GRCh38, 1-based): chr14:95,095,962, G>A on the plus strand (C>T on the coding strand, the complement: DICER1 is on the minus strand). VCF-style: chr14-95095962-G-A. GRCh37 (hg19) VCF-style: chr14-95562299-G-A.
Other names: c.4958C>T, p.Pro1653Leu (NM_001195573.1, NM_001271282.3, NM_001291628.2 and 12 more transcripts); c.4676C>T, p.Pro1559Leu (NM_001395686.1); c.4553C>T, p.Pro1518Leu (NM_001395687.1, NM_001395688.1, NM_001395689.1 and 2 more transcripts); c.4391C>T, p.Pro1464Leu (NM_001395691.1); c.3275C>T, p.Pro1092Leu (NM_001395697.1); short protein forms P1092L, P1464L, P1653L, P1518L, P1559L.
Identifiers: ClinVar variation 5035267 (VCV005035267.1).

ClinVar aggregate classification (germline): Uncertain significance (1 of 4 stars; one submission).

Conditions:
Hereditary cancer-predisposing syndrome. Also called: Hereditary Cancer Syndrome; Neoplastic Syndromes, Hereditary; Tumor predisposition; Hereditary neoplastic syndrome. Identifiers: Orphanet 140162, MedGen C0027672, MeSH D009386, MONDO:0015356.

Submission:

Ambry Genetics
Classification: Uncertain significance for Hereditary cancer-predisposing syndrome. Last evaluated: 2026-07-07. Review status: criteria provided, single submitter. Criteria: Ambry Variant Classification Scheme 2023. Collection method: clinical testing. Allele origin: germline.
Comment: The p.P1653L variant (also known as c.4958C>T), located in coding exon 22 of the DICER1 gene, results from a C to T substitution at nucleotide position 4958. The proline at codon 1653 is replaced by leucine, an amino acid with similar properties. This amino acid position is conserved. In addition, this alteration is predicted to be deleterious by in silico analysis. Based on the available evidence, the clinical significance of this variant remains unclear.